The following is an entry in ClinVar:

ClinVar aggregate classification (germline): Uncertain significance (1 of 4 stars; one submission).

Allele frequency attached by ClinVar (database versions not stated): gnomAD exomes below 0.00001; ExAC 0.00003; ESP Exome Variant Server 0.00008.
gnomAD v4.1: 7 of 1,605,278 alleles (0.00044%); highest among the groups gnomAD compares: Non-Finnish European, 0.00043%; no homozygotes.

Submission:

Labcorp Genetics (formerly Invitae), Labcorp
Classification: Uncertain significance. Last evaluated: 2022-04-12. Review status: criteria provided, single submitter. Criteria: Invitae Variant Classification Sherloc (09022015). Collection method: clinical testing. Allele origin: germline.
Comment: This sequence change replaces lysine, which is basic and polar, with glutamic acid, which is acidic and polar, at codon 403 of the IFT81 protein (p.Lys403Glu). This variant is present in population databases (rs373473888, gnomAD 0.003%). This variant has not been reported in the literature in individuals affected with IFT81-related conditions. Algorithms developed to predict the effect of missense changes on protein structure and function are either unavailable or do not agree on the potential impact of this missense change (SIFT: "Deleterious"; PolyPhen-2: "Possibly Damaging"; Align-GVGD: "Class C0"). In summary, the available evidence is currently insufficient to determine the role of this variant in disease. Therefore, it has been classified as a Variant of Uncertain Significance.

NM_014055.4(IFT81):c.1207A>G (p.Lys403Glu)

Gene: IFT81 (intraflagellar transport 81; plus strand). Cytogenetic location: 12q24.11.
Variant type: single nucleotide variant.
Coding change: c.1207A>G on transcript NM_014055.4 (MANE Select); coding-DNA position 1207, A replaced by G.
Protein change: p.Lys403Glu; replaces lysine 403 with glutamic acid.
Molecular consequence: missense variant. On other transcripts: non-coding transcript variant (4).
Genome position (GRCh38, 1-based): chr12:110,180,440, A>G. VCF-style: chr12-110180440-A-G. GRCh37 (hg19) VCF-style: chr12-110618245-A-G.
Other names: c.1207A>G, p.Lys403Glu (NM_001143779.2); c.277A>G, p.Lys93Glu (NM_001347947.2, NM_001347948.2); short protein forms K403E, K93E.
Identifiers: ClinVar variation 1933083 (VCV001933083.2), dbSNP rs373473888, ClinGen allele CA6783313.
Genomic context (GRCh38, chr12:110,180,440, plus strand): 5'-ACTTTTCTACTCATTAGATTACATATTGTGTTTTTTTTACAGTTCAAACGATATGTCAAT[A>G]AACTTCGAAGCAAGAGTACAGTTTTCAAAAAGAAGCATCAGATAATAGCTGAACTTAAAG-3'
Protein context (NP_054774.2, residues 393-413): KGDEFKRYVN[Lys403Glu]LRSKSTVFKK